The following is an entry in ClinVar:

ClinVar aggregate classification (germline): Conflicting classifications of pathogenicity. Review status: criteria provided, conflicting classifications (1 of 4 stars). 3 submissions from 3 submitters: Uncertain significance (2); Likely benign (1). Last evaluated 2026-01-12.

Conditions:
Holoprosencephaly 5 (HPE5). Identifiers: Orphanet 2162, MedGen C1864827, MONDO:0012322, OMIM 609637.

Submissions (3):

Labcorp Genetics (formerly Invitae), Labcorp
Classification: Uncertain significance for Holoprosencephaly 5. Last evaluated: 2026-01-12. Review status: criteria provided, single submitter. Criteria: Invitae Variant Classification Sherloc (09022015). Collection method: clinical testing. Allele origin: germline.
Comment: This variant, c.1389_1391dup, results in the insertion of 1 amino acid(s) of the ZIC2 protein (p.Ala470dup), but otherwise preserves the integrity of the reading frame. The frequency data for this variant in the population databases is considered unreliable, as metrics indicate poor data quality at this position in the gnomAD database. This variant has been observed in individual(s) with holoprosencephaly (PMID: 21940735). Experimental studies and prediction algorithms are not available or were not evaluated, and the functional significance of this variant is currently unknown. In summary, the available evidence is currently insufficient to determine the role of this variant in disease. Therefore, it has been classified as a Variant of Uncertain Significance.

Laboratory of Genetics, Children's Clinical University Hospital Latvia
Classification: Likely benign. Last evaluated: 2025-02-16. Review status: criteria provided, single submitter. Criteria: ACMG Guidelines, 2015. Collection method: clinical testing. Allele origin: germline. Affected: yes.

Fulgent Genetics
Classification: Uncertain significance for Holoprosencephaly 5. Last evaluated: 2022-01-06. Review status: criteria provided, single submitter. Criteria: ACMG Guidelines, 2015. Collection method: clinical testing. Allele origin: unknown.

Literature cited by the submitters: PubMed 21940735 (cited by Labcorp Genetics (formerly Invitae), Labcorp).

NM_007129.5(ZIC2):c.1380GGC[5] (p.Ala470dup)

Genes: ZIC2 (Zic family zinc finger 2; plus strand), LOC110008580 (Zic family member 2 polyalanine repeat instability region; plus strand). Cytogenetic location: 13q32.3.
Variant type: Microsatellite.
Coding change: c.1380GGC[5] on transcript NM_007129.5 (MANE Select); five copies in a row of the 3-base unit GGC starting at c.1380; the reference has four copies in a row; one copy, 3 bases duplicated; also written c.1389_1391dup.
Protein change: p.Ala470dup; duplicates alanine 470.
Molecular consequence: inframe insertion.
Genome position (GRCh38, 1-based): chr13:99,985,472-99,985,474, GGC duplicated; duplicating any 3 consecutive bases within chr13:99,985,461-99,985,474 gives the same sequence; the position shown is the placement nearest the transcript's 3' end. VCF-style (leftmost placement, unchanged base first): chr13-99985460-A-AGCG. GRCh37 (hg19) VCF-style: chr13-100637714-A-AGCG.
Other names: c.1389_1391dup (NM_007129.5).
Identifiers: ClinVar variation 1359205 (VCV001359205.10), dbSNP rs762700653, ClinGen allele CA7032987.